The following is an entry in ClinVar:

NM_000393.5(COL5A2):c.2653G>A (p.Gly885Ser)

Gene: COL5A2 (collagen type V alpha 2 chain; minus strand). Cytogenetic location: 2q32.2.
Variant type: single nucleotide variant.
Coding change: c.2653G>A on transcript NM_000393.5 (MANE Select); coding-DNA position 2653, G replaced by A.
Protein change: p.Gly885Ser; replaces glycine 885 with serine.
Molecular consequence: missense variant.
Genome position (GRCh38, 1-based): chr2:189,052,919, C>T on the plus strand (G>A on the coding strand, the complement: COL5A2 is on the minus strand). VCF-style: chr2-189052919-C-T. GRCh37 (hg19) VCF-style: chr2-189917645-C-T.
Other names: short protein forms G885S.
Identifiers: ClinVar variation 2006929 (VCV002006929.4), dbSNP rs2469261590, ClinGen allele CA349870910.

ClinVar aggregate classification (germline): Uncertain significance (1 of 4 stars; one submission).

Conditions:
Ehlers-Danlos syndrome, classic type, 1 (EDSCL1). Also called: EHLERS-DANLOS SYNDROME, GRAVIS TYPE; EHLERS-DANLOS SYNDROME, SEVERE CLASSIC TYPE; Ehlers-Danlos syndrome, type 1; EDS I; Ehlers-Danlos Syndrome, Classic Type, COL5A1-Related. Identifiers: MedGen C0268335, MONDO:0019567, OMIM 130000.

Submission:

Labcorp Genetics (formerly Invitae), Labcorp
Classification: Uncertain significance for Ehlers-Danlos syndrome, classic type, 1. Last evaluated: 2022-10-10. Review status: criteria provided, single submitter. Criteria: Invitae Variant Classification Sherloc (09022015). Collection method: clinical testing. Allele origin: germline.
Comment: This sequence change replaces glycine, which is neutral and non-polar, with serine, which is neutral and polar, at codon 885 of the COL5A2 protein (p.Gly885Ser). This variant is not present in population databases (gnomAD no frequency). This variant has not been reported in the literature in individuals affected with COL5A2-related conditions. Advanced modeling of protein sequence and biophysical properties (such as structural, functional, and spatial information, amino acid conservation, physicochemical variation, residue mobility, and thermodynamic stability) performed at Invitae indicates that this missense variant is expected to disrupt COL5A2 protein function. In summary, the available evidence is currently insufficient to determine the role of this variant in disease. Therefore, it has been classified as a Variant of Uncertain Significance.